The following is an entry in ClinVar:

ClinVar aggregate classification (germline): Likely benign (0 of 4 stars; one submission).

Conditions:
MARK3-related disorder. Also called: MARK3-related condition.

Allele frequency attached by ClinVar (database versions not stated): gnomAD exomes 0.00013; ExAC 0.00034; ESP Exome Variant Server 0.00068; 1000 Genomes Project 30x 0.00078; 1000 Genomes Project 0.00080; gnomAD 0.00113; TOPMed 0.00137.
gnomAD v4.1: 368 of 1,612,096 alleles (0.023%); highest among the groups gnomAD compares: African/African-American, 0.41%; no homozygotes.

Submission:

PreventionGenetics, part of Exact Sciences
Classification: Likely benign for MARK3-related condition. Last evaluated: 2019-06-21. Review status: no assertion criteria provided. Collection method: clinical testing. Allele origin: germline.
Comment: This variant is classified as likely benign based on ACMG/AMP sequence variant interpretation guidelines (Richards et al. 2015 PMID: 25741868, with internal and published modifications).

NM_001128918.3(MARK3):c.1875T>C (p.Leu625=)

Gene: MARK3 (microtubule affinity regulating kinase 3; plus strand). Cytogenetic location: 14q32.33.
Variant type: single nucleotide variant.
Coding change: c.1875T>C on transcript NM_001128918.3 (MANE Select); coding-DNA position 1875, T replaced by C.
Protein change: p.Leu625=; no amino-acid change (leucine 625 retained).
Molecular consequence: synonymous variant. On other transcripts: intron variant (4).
Genome position (GRCh38, 1-based): chr14:103,500,159, T>C. VCF-style: chr14-103500159-T-C. GRCh37 (hg19) VCF-style: chr14-103966496-T-C.
Other names: c.1848T>C, p.Leu616= (NM_001128919.3); c.1794T>C, p.Leu598= (NM_001411055.1); c.1845-2723T>C (NM_002376.7); c.1797-2723T>C (NM_001128920.3); c.1634+1631T>C (NM_001128921.3); c.1679+1631T>C (NM_001411056.1).
Identifiers: ClinVar variation 3043460 (VCV003043460.2), dbSNP rs372826694, ClinGen allele CA7364294.